The following is an entry in ClinVar:

NM_000540.3(RYR1):c.12827_12838dup (p.Ala4279_Ala4280insGluGluGlyAla)

Gene: RYR1 (ryanodine receptor 1; plus strand). Cytogenetic location: 19q13.2.
Variant type: Duplication.
Coding change: c.12827_12838dup on transcript NM_000540.3 (MANE Select); coding-DNA positions 12827 to 12838, 12 bases duplicated (AGGAGGGCGCGG).
Protein change: p.Ala4279_Ala4280insGluGluGlyAla.
Molecular consequence: inframe insertion.
Genome position (GRCh38, 1-based): chr19:38,565,161-38,565,172, AGGAGGGCGCGG duplicated; duplicating any 12 consecutive bases within chr19:38,565,154-38,565,172 gives the same sequence; the c. name uses the placement nearest the transcript's 3' end. VCF-style (leftmost placement, unchanged base first): chr19-38565153-A-AGGCGCGGAGGAG. GRCh37 (hg19) VCF-style: chr19-39055793-A-AGGCGCGGAGGAG.
Other names: c.12812_12823dup, p.Ala4274_Ala4275insGluGluGlyAla (NM_001042723.2).
Identifiers: ClinVar variation 2181660 (VCV002181660.3), dbSNP rs1973336607, ClinGen allele CA2335084682.
Genomic context (GRCh38, chr19:38,565,153, plus strand): 5'-CGAGGGCGAGCCGGAGACCGACGAGGACGAGGGCGCGGGCGCGGCGGAGGCGGGCGCGGA[A>AGGCGCGGAGGAG]GGCGCGGAGGAGGGCGCGGCGGGGCTCGAGGGCACGGCGGCCACGGCGGCGGCGGGGGCG-3'

ClinVar aggregate classification (germline): Uncertain significance (1 of 4 stars; one submission).

Conditions:
RYR1-related disorder. Also called: RYR1-related condition; RYR1-related disorders. Identifiers: MedGen CN239331.

Submission:

Labcorp Genetics (formerly Invitae), Labcorp
Classification: Uncertain significance for RYR1-related disorder. Last evaluated: 2024-02-17. Review status: criteria provided, single submitter. Criteria: Invitae Variant Classification Sherloc (09022015). Collection method: clinical testing. Allele origin: germline.
Comment: This variant, c.12827_12838dup, results in the insertion of 4 amino acid(s) of the RYR1 protein (p.Glu4276_Ala4279dup), but otherwise preserves the integrity of the reading frame. This variant is not present in population databases (gnomAD no frequency). This variant has not been reported in the literature in individuals affected with RYR1-related conditions. ClinVar contains an entry for this variant (Variation ID: 2181660). Experimental studies and prediction algorithms are not available or were not evaluated, and the functional significance of this variant is currently unknown. In summary, the available evidence is currently insufficient to determine the role of this variant in disease. Therefore, it has been classified as a Variant of Uncertain Significance.